The following is an entry in ClinVar:

NM_024652.6(LRRK1):c.2980C>G (p.Leu994Val)

Genes: LRRK1-AS1 (LRRK1 antisense RNA 1; minus strand), LRRK1 (leucine rich repeat kinase 1; plus strand). Cytogenetic location: 15q26.3.
Variant type: single nucleotide variant.
Coding change: c.2980C>G on transcript NM_024652.6 (MANE Select); coding-DNA position 2980, C replaced by G.
Protein change: p.Leu994Val; replaces leucine 994 with valine.
Molecular consequence: missense variant.
Genome position (GRCh38, 1-based): chr15:101,045,997, C>G. VCF-style: chr15-101045997-C-G. GRCh37 (hg19) VCF-style: chr15-101586202-C-G.
Other names: short protein forms L994V.
Identifiers: ClinVar variation 1487774 (VCV001487774.8), dbSNP rs2141122311, ClinGen allele CA393950249.

ClinVar aggregate classification (germline): Uncertain significance (1 of 4 stars; one submission).

Allele frequency attached by ClinVar (database versions not stated): gnomAD exomes below 0.00001.

Submission:

Labcorp Genetics (formerly Invitae), Labcorp
Classification: Uncertain significance. Last evaluated: 2022-06-21. Review status: criteria provided, single submitter. Criteria: Invitae Variant Classification Sherloc (09022015). Collection method: clinical testing. Allele origin: germline.
Comment: In summary, the available evidence is currently insufficient to determine the role of this variant in disease. Therefore, it has been classified as a Variant of Uncertain Significance. Algorithms developed to predict the effect of missense changes on protein structure and function are either unavailable or do not agree on the potential impact of this missense change (SIFT: "Deleterious"; PolyPhen-2: "Probably Damaging"; Align-GVGD: "Class C0"). This variant has not been reported in the literature in individuals affected with LRRK1-related conditions. This variant is not present in population databases (gnomAD no frequency). This sequence change replaces leucine, which is neutral and non-polar, with valine, which is neutral and non-polar, at codon 994 of the LRRK1 protein (p.Leu994Val).